The following is an entry in ClinVar:

ClinVar aggregate classification (germline): Uncertain significance. Review status: criteria provided, multiple submitters, no conflicts (2 of 4 stars). 4 submissions from 4 submitters: Uncertain significance (4). Last evaluated 2024-09-10.

Conditions:
Hereditary nonpolyposis colorectal neoplasms. Identifiers: MedGen C0009405, MeSH D003123.
Hereditary cancer-predisposing syndrome. Also called: Hereditary neoplastic syndrome; Hereditary Cancer Syndrome; Neoplastic Syndromes, Hereditary; Tumor predisposition. Identifiers: Orphanet 140162, MedGen C0027672, MeSH D009386, MONDO:0015356.
Lynch syndrome. Identifiers: Orphanet 144, MedGen C4552100, MONDO:0005835. Disease mechanism: loss of function.

Allele frequency attached by ClinVar (database versions not stated): gnomAD 0.00001; TOPMed 0.00001.
gnomAD v4.1: 15 of 1,613,894 alleles (0.00093%); highest among the groups gnomAD compares: Non-Finnish European, 0.0013%; no homozygotes.

Submissions (4):

Labcorp Genetics (formerly Invitae), Labcorp
Classification: Uncertain significance for Hereditary nonpolyposis colorectal neoplasms. Last evaluated: 2024-09-10. Review status: criteria provided, single submitter. Criteria: Invitae Variant Classification Sherloc (09022015). Collection method: clinical testing. Allele origin: germline.
Comment: This sequence change replaces cysteine, which is neutral and slightly polar, with serine, which is neutral and polar, at codon 1269 of the MSH6 protein (p.Cys1269Ser). This variant is not present in population databases (gnomAD no frequency). This variant has not been reported in the literature in individuals affected with MSH6-related conditions. ClinVar contains an entry for this variant (Variation ID: 229929). Invitae Evidence Modeling of protein sequence and biophysical properties (such as structural, functional, and spatial information, amino acid conservation, physicochemical variation, residue mobility, and thermodynamic stability) has been performed for this missense variant. However, the output from this modeling did not meet the statistical confidence thresholds required to predict the impact of this variant on MSH6 protein function. In summary, the available evidence is currently insufficient to determine the role of this variant in disease. Therefore, it has been classified as a Variant of Uncertain Significance.

Ambry Genetics
Classification: Uncertain significance for Hereditary cancer-predisposing syndrome. Last evaluated: 2024-08-31. Review status: criteria provided, single submitter. Criteria: Ambry Variant Classification Scheme 2023. Collection method: clinical testing. Allele origin: germline.
Comment: The p.C1269S variant (also known as c.3806G>C), located in coding exon 9 of the MSH6 gene, results from a G to C substitution at nucleotide position 3806. The cysteine at codon 1269 is replaced by serine, an amino acid with dissimilar properties. This variant was reported in 2/60,466 breast cancer cases and in 1/53,461 controls (Dorling et al. N Engl J Med. 2021 02;384:428-439). This amino acid position is highly conserved in available vertebrate species. In addition, this alteration is predicted to be deleterious by in silico analysis. Since supporting evidence is limited at this time, the clinical significance of this alteration remains unclear.

All of Us Research Program, National Institutes of Health
Classification: Uncertain significance for Lynch syndrome. Last evaluated: 2024-04-16. Review status: criteria provided, single submitter. Criteria: ACMG Guidelines, 2015. Collection method: clinical testing. Allele origin: germline. Inheritance: Autosomal dominant inheritance. Observed: 1 variant allele, 1 heterozygote.
Comment: This missense variant replaces cysteine with serine at codon 1269 of the MSH6 protein. Computational prediction suggests that this variant may have deleterious impact on protein structure and function (internally defined REVEL score threshold >= 0.7, PMID: 27666373). To our knowledge, functional studies have not been reported for this variant. In a large breast cancer case-control study, this variant has been reported in 2/60466 cases and 1/53461 unaffected controls (PMID: 33471991). This variant has not been identified in the general population by the Genome Aggregation Database (gnomAD). The available evidence is insufficient to determine the role of this variant in disease conclusively. Therefore, this variant is classified as a Variant of Uncertain Significance.

This study involves interpretation of variants in research participants for the purpose of population health screening. Participant phenotype was not available at the time of variant classification. Additional details can be found in publication PMID: 35346344, PMCID: PMC8962531

Color Diagnostics, LLC DBA Color Health
Classification: Uncertain significance for Hereditary cancer-predisposing syndrome. Last evaluated: 2023-12-11. Review status: criteria provided, single submitter. Criteria: ACMG Guidelines, 2015. Collection method: clinical testing. Allele origin: germline.
Comment: This missense variant replaces cysteine with serine at codon 1269 of the MSH6 protein. Computational prediction suggests that this variant may have deleterious impact on protein structure and function (internally defined REVEL score threshold >= 0.7, PMID: 27666373). To our knowledge, functional studies have not been reported for this variant. In a large breast cancer case-control study, this variant has been reported in 2/60466 cases and 1/53461 unaffected controls (PMID: 33471991). This variant has not been identified in the general population by the Genome Aggregation Database (gnomAD). The available evidence is insufficient to determine the role of this variant in disease conclusively. Therefore, this variant is classified as a Variant of Uncertain Significance.

Literature cited by the submitters: PubMed 33471991 (cited by 3 submitters).

NM_000179.3(MSH6):c.3806G>C (p.Cys1269Ser)

Gene: MSH6 (mutS homolog 6; plus strand). Cytogenetic location: 2p16.3.
Variant type: single nucleotide variant.
Coding change: c.3806G>C on transcript NM_000179.3 (MANE Select); coding-DNA position 3806, G replaced by C.
Protein change: p.Cys1269Ser; replaces cysteine 1269 with serine.
Molecular consequence: missense variant.
Genome position (GRCh38, 1-based): chr2:47,806,456, G>C. VCF-style: chr2-47806456-G-C. GRCh37 (hg19) VCF-style: chr2-48033595-G-C.
Other names: c.3416G>C, p.Cys1139Ser (NM_001281492.2); c.2900G>C, p.Cys967Ser (NM_001281493.2, NM_001281494.2); short protein forms C1269S, C967S, C1139S.
Identifiers: ClinVar variation 229929 (VCV000229929.17), dbSNP rs876658276, ClinGen allele CA10578162.